The following is an entry in ClinVar:

ClinVar aggregate classification (germline): Uncertain significance. Review status: criteria provided, multiple submitters, no conflicts (2 of 4 stars). 2 submissions from 2 submitters: Uncertain significance (2). Last evaluated 2025-07-14.

Conditions:
DUOX2-related disorder. Also called: DUOX2-related condition.

Submissions (2):

Labcorp Genetics (formerly Invitae), Labcorp
Classification: Uncertain significance. Last evaluated: 2025-07-14. Review status: criteria provided, single submitter. Criteria: Invitae Variant Classification Sherloc (09022015). Collection method: clinical testing. Allele origin: germline.
Comment: This sequence change replaces aspartic acid, which is acidic and polar, with glutamic acid, which is acidic and polar, at codon 715 of the DUOX2 protein (p.Asp715Glu). This variant is present in population databases (rs768361949, gnomAD 0.006%). This variant has not been reported in the literature in individuals affected with DUOX2-related conditions. ClinVar contains an entry for this variant (Variation ID: 1408760). Invitae Evidence Modeling of protein sequence and biophysical properties (such as structural, functional, and spatial information, amino acid conservation, physicochemical variation, residue mobility, and thermodynamic stability) indicates that this missense variant is expected to disrupt DUOX2 protein function with a positive predictive value of 80%. In summary, the available evidence is currently insufficient to determine the role of this variant in disease. Therefore, it has been classified as a Variant of Uncertain Significance.

PreventionGenetics, part of Exact Sciences
Classification: Uncertain significance for DUOX2-related condition. Last evaluated: 2025-03-01. Review status: criteria provided, single submitter. Criteria: ACMG Guidelines, 2015. Collection method: clinical testing. Allele origin: germline.
Comment: The DUOX2 c.2145C>G variant is predicted to result in the amino acid substitution p.Asp715Glu. To our knowledge, this variant has not been reported in the literature. This variant is reported in 0.0065% of alleles in individuals of South Asian descent in gnomAD. At this time, the clinical significance of this variant is uncertain due to the absence of conclusive functional and genetic evidence.

NM_001363711.2(DUOX2):c.2145C>G (p.Asp715Glu)

Gene: DUOX2 (dual oxidase 2; minus strand). Cytogenetic location: 15q21.1.
Variant type: single nucleotide variant.
Coding change: c.2145C>G on transcript NM_001363711.2 (MANE Select); coding-DNA position 2145, C replaced by G.
Protein change: p.Asp715Glu; replaces aspartic acid 715 with glutamic acid.
Molecular consequence: missense variant.
Genome position (GRCh38, 1-based): chr15:45,106,128, G>C on the plus strand (C>G on the coding strand, the complement: DUOX2 is on the minus strand). VCF-style: chr15-45106128-G-C. GRCh37 (hg19) VCF-style: chr15-45398326-G-C.
Other names: c.2145C>G, p.Asp715Glu (NM_014080.5); c.2145C>G (NM_014080.4); short protein forms D715E.
Identifiers: ClinVar variation 1408760 (VCV001408760.8), dbSNP rs768361949, ClinGen allele CA7538375.